The following is an entry in ClinVar:

ClinVar aggregate classification (germline): Uncertain significance. Review status: criteria provided, multiple submitters, no conflicts (2 of 4 stars). 2 submissions from 2 submitters: Uncertain significance (2). Last evaluated 2025-12-02.

gnomAD v4.1: 3 of 1,614,174 alleles (0.00019%); highest among the groups gnomAD compares: Non-Finnish European, 0.00025%; no homozygotes.

Submissions (2):

Ambry Genetics
Classification: Uncertain significance. Last evaluated: 2025-12-02. Review status: criteria provided, single submitter. Criteria: Ambry Variant Classification Scheme 2023. Collection method: clinical testing. Allele origin: germline.

Labcorp Genetics (formerly Invitae), Labcorp
Classification: Uncertain significance. Last evaluated: 2025-01-17. Review status: criteria provided, single submitter. Criteria: Invitae Variant Classification Sherloc (09022015). Collection method: clinical testing. Allele origin: germline.
Comment: This sequence change replaces threonine, which is neutral and polar, with isoleucine, which is neutral and non-polar, at codon 327 of the KCNJ13 protein (p.Thr327Ile). This variant is not present in population databases (gnomAD no frequency). This variant has not been reported in the literature in individuals affected with KCNJ13-related conditions. Invitae Evidence Modeling of protein sequence and biophysical properties (such as structural, functional, and spatial information, amino acid conservation, physicochemical variation, residue mobility, and thermodynamic stability) indicates that this missense variant is not expected to disrupt KCNJ13 protein function with a negative predictive value of 80%. In summary, the available evidence is currently insufficient to determine the role of this variant in disease. Therefore, it has been classified as a Variant of Uncertain Significance.

NM_002242.4(KCNJ13):c.980C>T (p.Thr327Ile)

Genes: GIGYF2 (GRB10 interacting GYF protein 2; plus strand), KCNJ13 (potassium inwardly rectifying channel subfamily J member 13; minus strand). Cytogenetic location: 2q37.1.
Variant type: single nucleotide variant.
Coding change: c.980C>T on transcript NM_002242.4 (MANE Select); coding-DNA position 980, C replaced by T.
Protein change: p.Thr327Ile; replaces threonine 327 with isoleucine.
Molecular consequence: missense variant. On other transcripts: 3 prime UTR variant (1), intron variant (4).
Genome position (GRCh38, 1-based): chr2:232,768,294, G>A on the plus strand (C>T on the coding strand, the complement: KCNJ13 is on the minus strand). VCF-style: chr2-232768294-G-A. GRCh37 (hg19) VCF-style: chr2-233633004-G-A.
Other names: c.*459C>T (NM_001172416.1); c.740C>T, p.Thr247Ile (NM_001172417.1); c.532+6858G>A (NM_001103146.3, NM_015575.4, NM_001103147.2 and 1 more transcripts); short protein forms T327I, T247I.
Identifiers: ClinVar variation 3694255 (VCV003694255.3).